The following is an entry in ClinVar:

ClinVar aggregate classification (germline): Likely benign. Review status: criteria provided, multiple submitters, no conflicts (2 of 4 stars). 3 submissions from 3 submitters: Likely benign (2). 1 of the submissions does not count toward it. Last evaluated 2024-08-01.

Conditions:
KMT2D-related disorder. Also called: KMT2D-Related Disorders.
Kabuki syndrome. Also called: Kabuki make-up syndrome; NIIKAWA-KUROKI SYNDROME. Identifiers: Orphanet 2322, MedGen C0796004, MONDO:0016512.

Allele frequency attached by ClinVar (database versions not stated): gnomAD 0.00001 and 0.00004; gnomAD exomes 0.00017; ExAC 0.00019; 1000 Genomes Project 0.00040; 1000 Genomes Project 30x 0.00047.
gnomAD v4.1: 139 of 1,613,908 alleles (0.0086%); highest among the groups gnomAD compares: South Asian, 0.13%; no homozygotes.

Submissions (3):

CeGaT Center for Human Genetics Tuebingen
Classification: Likely benign. Last evaluated: 2024-08-01. Review status: criteria provided, single submitter. Criteria: CeGaT Center For Human Genetics Tuebingen Variant Classification Criteria Version 2. Collection method: clinical testing. Allele origin: germline. Affected: yes. Observed: 1 variant allele.
Comment: KMT2D: BP4, BS1

Labcorp Genetics (formerly Invitae), Labcorp
Classification: Likely benign for Kabuki syndrome. Last evaluated: 2024-06-22. Review status: criteria provided, single submitter. Criteria: Invitae Variant Classification Sherloc (09022015). Collection method: clinical testing. Allele origin: germline.

PreventionGenetics, part of Exact Sciences
Classification: Likely benign for KMT2D-related condition. Last evaluated: 2022-12-13. Review status: no assertion criteria provided. Collection method: clinical testing. Allele origin: germline. Not counted in ClinVar's aggregate classification.
Comment: This variant is classified as likely benign based on ACMG/AMP sequence variant interpretation guidelines (Richards et al. 2015 PMID: 25741868, with internal and published modifications).

NM_003482.4(KMT2D):c.3565C>T (p.Arg1189Cys)

Genes: KMT2D (lysine methyltransferase 2D; minus strand), LOC126861520 (CDK7 strongly-dependent group 2 enhancer GRCh37_chr12:49442744-49443943; plus strand). Cytogenetic location: 12q13.12.
Variant type: single nucleotide variant.
Coding change: c.3565C>T on transcript NM_003482.4 (MANE Select); coding-DNA position 3565, C replaced by T.
Protein change: p.Arg1189Cys; replaces arginine 1189 with cysteine.
Molecular consequence: missense variant.
Genome position (GRCh38, 1-based): chr12:49,050,023, G>A on the plus strand (C>T on the coding strand, the complement: KMT2D is on the minus strand). VCF-style: chr12-49050023-G-A. GRCh37 (hg19) VCF-style: chr12-49443806-G-A.
Other names: c.3565C>T (NM_003482.3); short protein forms R1189C.
Identifiers: ClinVar variation 1152560 (VCV001152560.25), dbSNP rs556879323, ClinGen allele CA6548030.
Genomic context (GRCh38, chr12:49,050,023, plus strand): 5'-AGATCTCGTTAACGATGTCGGATTTGATGAGAGTGGGTGGTGTGGGGGCCACCGGTGCAC[G>A]TGGCTCTTCCTGTTCTTCACATGGTGAGCCCTGCCCTGCTGTCTGCTTGCATTCGGGGTA-3'
Protein context (NP_003473.3, residues 1179-1199): GSPCEEQEEP[Arg1189Cys]APVAPTPPTL